The following is an entry in ClinVar:

ClinVar aggregate classification (germline): Likely benign (1 of 4 stars; one submission).

gnomAD v4.1: 5,324 of 1,460,152 alleles (0.36%); highest among the groups gnomAD compares: African/African-American, 0.86%; 193 homozygotes.

Submission:

CeGaT Center for Human Genetics Tuebingen
Classification: Likely benign. Last evaluated: 2026-07-01. Review status: criteria provided, single submitter. Criteria: CeGaT Center For Human Genetics Tuebingen Variant Classification Criteria Version 2. Collection method: clinical testing. Allele origin: germline. Affected: yes. Observed: 1 variant allele.
Comment: WASHC1: BP4, BP7, BS2

NM_001378090.1(WASHC1):c.774C>T (p.Asn258=)

Gene: WASHC1 (WASH complex subunit 1; minus strand). Cytogenetic location: 9p24.3.
Variant type: single nucleotide variant.
Coding change: c.774C>T on transcript NM_001378090.1 (MANE Select); coding-DNA position 774, C replaced by T.
Protein change: p.Asn258=; no amino-acid change (asparagine 258 retained).
Molecular consequence: synonymous variant.
Genome position (GRCh38, 1-based): chr9:17,074, G>A on the plus strand (C>T on the coding strand, the complement: WASHC1 is on the minus strand). VCF-style: chr9-17074-G-A. GRCh37 (hg19) VCF-style: chr9-17074-G-A.
Other names: c.774C>T, p.Asn258= (NM_182905.6).
Identifiers: ClinVar variation 4872015 (VCV004872015.2).